The following is an entry in ClinVar:

ClinVar aggregate classification (germline): Pathogenic (1 of 4 stars; one submission).

Conditions:
Structural eye disease.

Submission:

North West Genomic Laboratory Hub, Manchester University NHS Foundation Trust
Classification: Pathogenic for Structural eye disease. Last evaluated: 2023-11-24. Review status: criteria provided, single submitter. Criteria: ACGS Best Practice Guidelines for Variant Classification in Rare Disease 2020. Collection method: clinical testing. Allele origin: germline. Affected: yes.
Comment: PVS1_VStr PM2_Mod

NM_015692.5(CPAMD8):c.3012dup (p.His1005fs)

Gene: CPAMD8 (C3 and PZP like alpha-2-macroglobulin domain containing 8; minus strand). Cytogenetic location: 19p13.11.
Variant type: Duplication.
Coding change: c.3012dup on transcript NM_015692.5 (MANE Select); coding-DNA position 3012, one base duplicated (G; older notation c.3012dupG).
Protein change: p.His1005fs; shifts the reading frame from histidine 1005.
Molecular consequence: frameshift variant.
Genome position (GRCh38, 1-based): chr19:16,929,074, C duplicated on the plus strand (G on the coding strand, the reverse complement: CPAMD8 is on the minus strand); the first of 7 consecutive C bases (chr19:16,929,074-16,929,080); duplicating any one gives the same sequence. VCF-style (leftmost placement, unchanged base first): chr19-16929073-G-GC. GRCh37 (hg19) VCF-style: chr19-17039883-G-GC.
Other names: short protein forms H1005fs.
Identifiers: ClinVar variation 4850989 (VCV004850989.1).